The following is an entry in ClinVar:

ClinVar aggregate classification (germline): Uncertain significance. Review status: criteria provided, multiple submitters, no conflicts (2 of 4 stars). 3 submissions from 3 submitters: Uncertain significance (3). Last evaluated 2025-09-14.

Conditions:
Cardiovascular phenotype. Identifiers: MedGen CN230736.
Long QT syndrome (LQTS). Identifiers: MedGen C0023976, MeSH D008133, MONDO:0002442. Disease mechanism: loss of function. Inheritance: Various modes of inheritance.

gnomAD v4.1: 31 of 1,613,956 alleles (0.0019%); highest among the groups gnomAD compares: Non-Finnish European, 0.0026%; no homozygotes.

Submissions (3):

Labcorp Genetics (formerly Invitae), Labcorp
Classification: Uncertain significance for Long QT syndrome. Last evaluated: 2025-09-14. Review status: criteria provided, single submitter. Criteria: Invitae Variant Classification Sherloc (09022015). Collection method: clinical testing. Allele origin: germline.
Comment: This sequence change replaces aspartic acid, which is acidic and polar, with glutamic acid, which is acidic and polar, at codon 1078 of the CACNA1C protein (p.Asp1078Glu). This variant is present in population databases (rs111606207, gnomAD 0.0009%). This variant has not been reported in the literature in individuals affected with CACNA1C-related conditions. ClinVar contains an entry for this variant (Variation ID: 589764). Invitae Evidence Modeling of protein sequence and biophysical properties (such as structural, functional, and spatial information, amino acid conservation, physicochemical variation, residue mobility, and thermodynamic stability) indicates that this missense variant is not expected to disrupt CACNA1C protein function with a negative predictive value of 80%. In summary, the available evidence is currently insufficient to determine the role of this variant in disease. Therefore, it has been classified as a Variant of Uncertain Significance.

GeneDx
Classification: Uncertain significance. Last evaluated: 2025-05-07. Review status: criteria provided, single submitter. Criteria: GeneDx Variant Classification Process June 2021. Collection method: clinical testing. Allele origin: germline. Affected: yes.
Comment: Not observed at significant frequency in large population cohorts (gnomAD); In silico analysis supports that this missense variant has a deleterious effect on protein structure/function; Has not been previously published as pathogenic or benign to our knowledge

Ambry Genetics
Classification: Uncertain significance for Cardiovascular phenotype. Last evaluated: 2017-04-18. Review status: criteria provided, single submitter. Criteria: Ambry Variant Classification Scheme 2023. Collection method: clinical testing. Allele origin: germline.
Comment: The p.D1078E variant (also known as c.3234C>A), located in coding exon 26 of the CACNA1C gene, results from a C to A substitution at nucleotide position 3234. The aspartic acid at codon 1078 is replaced by glutamic acid, an amino acid with highly similar properties. This amino acid position is well conserved in available vertebrate species. In addition, the in silico prediction for this alteration is inconclusive. Since supporting evidence is limited at this time, the clinical significance of this alteration remains unclear.

NM_000719.7(CACNA1C):c.3234C>A (p.Asp1078Glu)

Gene: CACNA1C (calcium voltage-gated channel subunit alpha1 C; plus strand). Cytogenetic location: 12p13.33.
Variant type: single nucleotide variant.
Coding change: c.3234C>A on transcript NM_000719.7 (MANE Select); coding-DNA position 3234, C replaced by A.
Protein change: p.Asp1078Glu; replaces aspartic acid 1078 with glutamic acid.
Molecular consequence: missense variant.
Genome position (GRCh38, 1-based): chr12:2,607,008, C>A. VCF-style: chr12-2607008-C-A. GRCh37 (hg19) VCF-style: chr12-2716174-C-A.
Other names: c.3294C>A, p.Asp1098Glu (NM_001129827.2, NM_001129832.2, NM_199460.4); c.3234C>A, p.Asp1078Glu (NM_001129829.2, NM_001129830.3, NM_001129831.2 and 15 more transcripts); c.3225C>A, p.Asp1075Glu (NM_001129844.2); short protein forms D1078E, D1098E, D1075E.
Identifiers: ClinVar variation 589764 (VCV000589764.15), dbSNP rs111606207, ClinGen allele CA6389202.
Genomic context (GRCh38, chr12:2,607,008, plus strand): 5'-AGATCCCAGAGTAAACTCCTTCTCCTCCTCTCTCAGGGGCAACTACATCACGTACAAAGA[C>A]GGGGAGGTTGACCACCCCATCATCCAACCCCGCAGCTGGGAGAACAGCAAGTTTGACTTT-3'
Protein context (NP_000710.5, residues 1068-1088): ECKGNYITYK[Asp1078Glu]GEVDHPIIQP